The following is an entry in ClinVar:

ClinVar aggregate classification (germline): Uncertain significance (1 of 4 stars; one submission).

Conditions:
Fanconi anemia (FA). Also called: Fanconi's anemia. Identifiers: Orphanet 84, MedGen C0015625, MeSH D005199, MONDO:0019391.

Submission:

Labcorp Genetics (formerly Invitae), Labcorp
Classification: Uncertain significance for Fanconi anemia. Last evaluated: 2021-08-23. Review status: criteria provided, single submitter. Criteria: Invitae Variant Classification Sherloc (09022015). Collection method: clinical testing. Allele origin: germline.
Comment: In summary, the available evidence is currently insufficient to determine the role of this variant in disease. Therefore, it has been classified as a Variant of Uncertain Significance. This sequence change replaces lysine with asparagine at codon 326 of the FANCD2 protein (p.Lys326Asn). The lysine residue is moderately conserved and there is a moderate physicochemical difference between lysine and asparagine. This variant is not present in population databases (ExAC no frequency). This variant has not been reported in the literature in individuals affected with FANCD2-related conditions. Algorithms developed to predict the effect of missense changes on protein structure and function are either unavailable or do not agree on the potential impact of this missense change (SIFT: "Tolerated"; PolyPhen-2: "Possibly Damaging"; Align-GVGD: "Class C0").

NM_001018115.3(FANCD2):c.978A>C (p.Lys326Asn)

Genes: FANCD2 (FA complementation group D2; plus strand), LOC107303338 (3p25 FANCD2 Alu-mediated recombination region; plus strand). Cytogenetic location: 3p25.3.
Variant type: single nucleotide variant.
Coding change: c.978A>C on transcript NM_001018115.3 (MANE Select); coding-DNA position 978, A replaced by C.
Protein change: p.Lys326Asn; replaces lysine 326 with asparagine.
Molecular consequence: missense variant.
Genome position (GRCh38, 1-based): chr3:10,043,139, A>C. VCF-style: chr3-10043139-A-C. GRCh37 (hg19) VCF-style: chr3-10084823-A-C.
Other names: c.978A>C, p.Lys326Asn (NM_001319984.2, NM_001374253.1, NM_001374254.1 and 1 more transcripts); short protein forms K326N.
Identifiers: ClinVar variation 1470399 (VCV001470399.6), dbSNP rs200193941, ClinGen allele CA351730144.
Genomic context (GRCh38, chr3:10,043,139, plus strand): 5'-TCTGCAGCATTGTGTTTTGCCATCACGGTTACAGGCTTCCCAAGTAAAGTTGAAAAGTAA[A>C]GGACGAGCAAGGTAAAGAGCTCATCCTCACACAGGATGTCACAATTTTCTGACATCCCAC-3'
Protein context (NP_001018125.1, residues 316-336): LQASQVKLKS[Lys326Asn]GRASSSGNQE